The following is an entry in ClinVar:

ClinVar aggregate classification (germline): Likely benign (1 of 4 stars; one submission).

Submission:

GeneDx
Classification: Likely benign. Last evaluated: 2018-06-16. Review status: criteria provided, single submitter. Criteria: GeneDx Variant Classification (06012015). Collection method: clinical testing. Allele origin: germline. Affected: yes.
Comment: This variant is considered likely benign or benign based on one or more of the following criteria: it is a conservative change, it occurs at a poorly conserved position in the protein, it is predicted to be benign by multiple in silico algorithms, and/or has population frequency not consistent with disease.

NM_201378.4(PLEC):c.71-5892GGGCTG[3]

Gene: PLEC (plectin; minus strand). Cytogenetic location: 8q24.3.
Variant type: Microsatellite.
Coding change: c.71-5892GGGCTG[3] on transcript NM_201378.4 (MANE Plus Clinical); three copies in a row of the 6-base unit GGGCTG starting at c.71-5892; the reference has two copies in a row; one copy, 6 bases duplicated.
Molecular consequence: intron variant.
Genome position (GRCh38, 1-based): chr8:143,944,573-143,944,578, CAGCCC duplicated on the plus strand (GGGCTG on the coding strand, the reverse complement: PLEC is on the minus strand); duplicating any 6 consecutive bases within chr8:143,944,573-143,944,584 gives the same sequence; the position shown is the placement nearest the transcript's 3' end. VCF-style (leftmost placement, unchanged base first): chr8-143944572-T-TCAGCCC. GRCh37 (hg19) VCF-style: chr8-145018740-T-TCAGCCC.
Other names: c.194-5892GGGCTG[3] (NM_001410941.1, NM_000445.5); c.47-5892GGGCTG[3] (NM_201379.3); c.523+5600GGGCTG[3] (NM_201380.4); c.16+64GGGCTG[3] (NM_201381.3).
Identifiers: ClinVar variation 677701 (VCV000677701.3), dbSNP rs145989270, ClinGen allele CA187627203.